The following is an entry in ClinVar:

ClinVar aggregate classification (germline): Uncertain significance (1 of 4 stars; one submission).

Submission:

Women's Health and Genetics/Laboratory Corporation of America, LabCorp
Classification: Uncertain significance. Last evaluated: 2023-04-17. Review status: criteria provided, single submitter. Criteria: LabCorp Variant Classification Summary - May 2015. Collection method: clinical testing. Allele origin: germline.
Comment: Variant summary: MKS1 c.1572delC (p.Ile525PhefsX5) results in a premature termination codon located within 15 amino acids to the end of panultimate exon, predicted to escape non-mediated decay and cause a truncation of the encoded protein. Pathogenic variant downstream of this position has not been reported. The variant was absent in 249588 control chromosomes. To our knowledge, no occurrence of c.1572delC in individuals affected with Meckel Syndrome Type 1 and no experimental evidence demonstrating its impact on protein function have been reported. No clinical diagnostic laboratories have submitted clinical-significance assessments for this variant to ClinVar after 2014. Based on the evidence outlined above, the variant was classified as VUS.

NM_017777.4(MKS1):c.1572del (p.Ile525fs)

Gene: MKS1 (MKS transition zone complex subunit 1; minus strand). Cytogenetic location: 17q22.
Variant type: Deletion.
Coding change: c.1572del on transcript NM_017777.4 (MANE Select); coding-DNA position 1572, one base deleted (C; older notation c.1572delC).
Protein change: p.Ile525fs; shifts the reading frame from isoleucine 525.
Molecular consequence: frameshift variant.
Genome position (GRCh38, 1-based): chr17:58,206,299, G deleted on the plus strand (C on the coding strand, the reverse complement: MKS1 is on the minus strand); the first of 2 consecutive G bases (chr17:58,206,299-58,206,300); deleting either gives the same sequence. VCF-style (leftmost placement, unchanged base first): chr17-58206298-TG-T. GRCh37 (hg19) VCF-style: chr17-56283659-TG-T.
Other names: c.963del, p.Ile322fs (NM_001321268.2); c.1489del, p.His497fs (NM_001321269.2); c.1355del, p.Pro452fs (NM_001330397.2); c.1572delC (NM_017777.3); short protein forms H497fs, I322fs, I525fs, P452fs.
Identifiers: ClinVar variation 2503800 (VCV002503800.1), dbSNP rs2509402379, ClinGen allele CA2580613163.